The following is an entry in ClinVar:

NM_033118.4(MYLK2):c.507C>T (p.Ser169=)

Gene: MYLK2 (myosin light chain kinase 2; plus strand). Cytogenetic location: 20q11.21.
Variant type: single nucleotide variant.
Coding change: c.507C>T on transcript NM_033118.4 (MANE Select); coding-DNA position 507, C replaced by T.
Protein change: p.Ser169=; no amino-acid change (serine 169 retained).
Molecular consequence: synonymous variant.
Genome position (GRCh38, 1-based): chr20:31,821,472, C>T. VCF-style: chr20-31821472-C-T. GRCh37 (hg19) VCF-style: chr20-30409275-C-T.
Identifiers: ClinVar variation 406158 (VCV000406158.12), dbSNP rs374538348, ClinGen allele CA9802949.

ClinVar aggregate classification (germline): Conflicting classifications of pathogenicity. Review status: criteria provided, conflicting classifications (1 of 4 stars). 3 submissions from 3 submitters: Uncertain significance (1); Likely benign (2). Last evaluated 2026-01-08.

Conditions:
Hypertrophic cardiomyopathy 1 (CMH1). Also called: Familial hypertrophic cardiomyopathy 1; MYH7-Related Familial Hypertrophic Cardiomyopathy. Identifiers: MedGen C3495498, MONDO:0008647, OMIM 192600.

Allele frequency attached by ClinVar (database versions not stated): gnomAD 0.00004; gnomAD exomes 0.00004; TOPMed 0.00004; ExAC 0.00007; ESP Exome Variant Server 0.00008.
gnomAD v4.1: 65 of 1,613,700 alleles (0.004%); highest among the groups gnomAD compares: Admixed American, 0.013%; no homozygotes.

Submissions (3):

Labcorp Genetics (formerly Invitae), Labcorp
Classification: Likely benign for Hypertrophic cardiomyopathy 1. Last evaluated: 2026-01-08. Review status: criteria provided, single submitter. Criteria: Invitae Variant Classification Sherloc (09022015). Collection method: clinical testing. Allele origin: germline.

Ambry Genetics
Classification: Likely benign. Last evaluated: 2023-10-27. Review status: criteria provided, single submitter. Criteria: Ambry Variant Classification Scheme 2023. Collection method: clinical testing. Allele origin: germline.

GeneDx
Classification: Uncertain significance. Last evaluated: 2021-01-26. Review status: criteria provided, single submitter. Criteria: GeneDx Variant Classification Process June 2021. Collection method: clinical testing. Allele origin: germline. Affected: yes.
Comment: Has not been previously published as pathogenic or benign to our knowledge; Reported in ClinVar as a variant of uncertain significance (ClinVar Variant ID# 406158; Landrum et al., 2016); In silico analysis, which includes splice predictors and evolutionary conservation, suggests this variant may impact gene splicing. In the absence of RNA/functional studies, the actual effect of this sequence change is unknown